The following is an entry in ClinVar:

ClinVar aggregate classification (germline): Uncertain significance. Review status: criteria provided, multiple submitters, no conflicts (2 of 4 stars). 2 submissions from 2 submitters: Uncertain significance (2). Last evaluated 2025-04-28.

Conditions:
PCNT-related disorder. Also called: PCNT-related condition.

Allele frequency attached by ClinVar (database versions not stated): gnomAD exomes below 0.00001; ExAC 0.00001; TOPMed 0.00001; gnomAD 0.00002.
gnomAD v4.1: 9 of 1,614,096 alleles (0.00056%); highest among the groups gnomAD compares: Non-Finnish European, 0.00068%; no homozygotes.

Submissions (2):

PreventionGenetics, part of Exact Sciences
Classification: Uncertain significance for PCNT-related condition. Last evaluated: 2025-04-28. Review status: criteria provided, single submitter. Criteria: ACMG Guidelines, 2015. Collection method: clinical testing. Allele origin: germline.
Comment: The PCNT c.9554A>G variant is predicted to result in the amino acid substitution p.Glu3185Gly. To our knowledge, this variant has not been reported in the literature or in a large population database (gnomAD), indicating this variant is rare. At this time, the clinical significance of this variant is uncertain due to the absence of conclusive functional and genetic evidence.

Labcorp Genetics (formerly Invitae), Labcorp
Classification: Uncertain significance. Last evaluated: 2024-09-08. Review status: criteria provided, single submitter. Criteria: Invitae Variant Classification Sherloc (09022015). Collection method: clinical testing. Allele origin: germline.
Comment: This sequence change replaces glutamic acid, which is acidic and polar, with glycine, which is neutral and non-polar, at codon 3185 of the PCNT protein (p.Glu3185Gly). This variant is not present in population databases (gnomAD no frequency). This variant has not been reported in the literature in individuals affected with PCNT-related conditions. ClinVar contains an entry for this variant (Variation ID: 1913325). An algorithm developed to predict the effect of missense changes on protein structure and function (PolyPhen-2) suggests that this variant is likely to be disruptive. In summary, the available evidence is currently insufficient to determine the role of this variant in disease. Therefore, it has been classified as a Variant of Uncertain Significance.

NM_006031.6(PCNT):c.9554A>G (p.Glu3185Gly)

Gene: PCNT (pericentrin; plus strand). Cytogenetic location: 21q22.3.
Variant type: single nucleotide variant.
Coding change: c.9554A>G on transcript NM_006031.6 (MANE Select); coding-DNA position 9554, A replaced by G.
Protein change: p.Glu3185Gly; replaces glutamic acid 3185 with glycine.
Molecular consequence: missense variant.
Genome position (GRCh38, 1-based): chr21:46,441,015, A>G. VCF-style: chr21-46441015-A-G. GRCh37 (hg19) VCF-style: chr21-47860928-A-G.
Other names: c.9554A>G (NM_006031.5); c.8963A>G, p.Glu2988Gly (NM_001315529.2); short protein forms E2988G, E3185G.
Identifiers: ClinVar variation 1913325 (VCV001913325.6), dbSNP rs759864731, ClinGen allele CA10081350.